The following is an entry in ClinVar:

ClinVar aggregate classification (germline): Uncertain significance. Review status: criteria provided, multiple submitters, no conflicts (2 of 4 stars). 4 submissions from 3 submitters: Uncertain significance (4). Last evaluated 2023-11-13.

Conditions:
Usher syndrome type 2A. Also called: RETINAL DISEASE IN USHER SYNDROME TYPE IIA, MODIFIER OF; USHER SYNDROME, TYPE IIA. Identifiers: Orphanet 231178, Orphanet 886, MedGen C1848634, MONDO:0010169, OMIM 276901.
Retinitis pigmentosa 39 (RP39). Identifiers: Orphanet 791, MedGen C3151138, MONDO:0013436, OMIM 613809.

gnomAD v4.1: 9 of 1,612,742 alleles (0.00056%); highest among the groups gnomAD compares: African/African-American, 0.0013%; no homozygotes.

Submissions (4):

Labcorp Genetics (formerly Invitae), Labcorp
Classification: Uncertain significance. Last evaluated: 2023-11-13. Review status: criteria provided, single submitter. Criteria: Invitae Variant Classification Sherloc (09022015). Collection method: clinical testing. Allele origin: germline.
Comment: This sequence change replaces asparagine, which is neutral and polar, with threonine, which is neutral and polar, at codon 2413 of the USH2A protein (p.Asn2413Thr). This variant is present in population databases (rs780840434, gnomAD 0.0009%). This variant has not been reported in the literature in individuals affected with USH2A-related conditions. ClinVar contains an entry for this variant (Variation ID: 1462637). Advanced modeling of protein sequence and biophysical properties (such as structural, functional, and spatial information, amino acid conservation, physicochemical variation, residue mobility, and thermodynamic stability) performed at Invitae indicates that this missense variant is not expected to disrupt USH2A protein function with a negative predictive value of 95%. In summary, the available evidence is currently insufficient to determine the role of this variant in disease. Therefore, it has been classified as a Variant of Uncertain Significance.

Genome-Nilou Lab
Classification: Uncertain significance for Retinitis pigmentosa 39. Last evaluated: 2023-11-04. Review status: criteria provided, single submitter. Criteria: ACMG Guidelines, 2015. Collection method: clinical testing. Allele origin: germline. Affected: no.

Genome-Nilou Lab
Classification: Uncertain significance for Usher syndrome type 2A. Last evaluated: 2023-11-04. Review status: criteria provided, single submitter. Criteria: ACMG Guidelines, 2015. Collection method: clinical testing. Allele origin: germline. Affected: no.

Fulgent Genetics
Classification: Uncertain significance for Usher syndrome type 2A; Retinitis pigmentosa 39. Last evaluated: 2021-09-15. Review status: criteria provided, single submitter. Criteria: ACMG Guidelines, 2015. Collection method: clinical testing. Allele origin: unknown.

NM_206933.4(USH2A):c.7238A>C (p.Asn2413Thr)

Gene: USH2A (usherin; minus strand). Cytogenetic location: 1q41.
Variant type: single nucleotide variant.
Coding change: c.7238A>C on transcript NM_206933.4 (MANE Select); coding-DNA position 7238, A replaced by C.
Protein change: p.Asn2413Thr; replaces asparagine 2413 with threonine.
Molecular consequence: missense variant.
Genome position (GRCh38, 1-based): chr1:215,934,678, T>G on the plus strand (A>C on the coding strand, the complement: USH2A is on the minus strand). VCF-style: chr1-215934678-T-G. GRCh37 (hg19) VCF-style: chr1-216108020-T-G.
Other names: short protein forms N2413T.
Identifiers: ClinVar variation 1462637 (VCV001462637.10), dbSNP rs780840434, ClinGen allele CA1394909.